The following is an entry in ClinVar:

NM_001278116.2(L1CAM):c.2729C>G (p.Thr910Ser)

Gene: L1CAM (L1 cell adhesion molecule; minus strand). Cytogenetic location: Xq28.
Variant type: single nucleotide variant.
Coding change: c.2729C>G on transcript NM_001278116.2 (MANE Select); coding-DNA position 2729, C replaced by G.
Protein change: p.Thr910Ser; replaces threonine 910 with serine.
Molecular consequence: missense variant.
Genome position (GRCh38, 1-based): chrX:153,865,319, G>C on the plus strand (C>G on the coding strand, the complement: L1CAM is on the minus strand). VCF-style: chrX-153865319-G-C. GRCh37 (hg19) VCF-style: chrX-153130774-G-C.
Other names: c.2729C>G, p.Thr910Ser (NM_000425.5, NM_024003.3); c.2714C>G, p.Thr905Ser (NM_001143963.2); short protein forms T905S, T910S.
Identifiers: ClinVar variation 4795488 (VCV004795488.1).

ClinVar aggregate classification (germline): Uncertain significance (1 of 4 stars; one submission).

Submission:

GeneDx
Classification: Uncertain significance. Last evaluated: 2025-08-14. Review status: criteria provided, single submitter. Criteria: GeneDx Variant Classification Process June 2021. Collection method: clinical testing. Allele origin: germline. Affected: yes.
Comment: Not observed at significant frequency in large population cohorts (gnomAD); In silico analysis suggests that this missense variant does not alter protein structure/function; Has not been previously published as pathogenic or benign to our knowledge; This variant is associated with the following publications: (PMID: 25641508)